The following is an entry in ClinVar:

ClinVar aggregate classification (germline): Benign (1 of 4 stars; one submission).

Allele frequency attached by ClinVar (database versions not stated): gnomAD exomes 0.05827; gnomAD 0.06123; TOPMed 0.06856; 1000 Genomes Project 0.09505; 1000 Genomes Project 30x 0.09510.
gnomAD v4.1: 77,641 of 1,320,640 alleles (5.9%); highest among the groups gnomAD compares: Admixed American, 25%; 4,010 homozygotes.

Submission:

Unidad de Genómica Garrahan, Hospital de Pediatría Garrahan
Classification: Benign. Last evaluated: 2024-01-24. Review status: criteria provided, single submitter. Criteria: ACMG Guidelines, 2015. Collection method: clinical testing. Allele origin: germline. Affected: no. Observed: 41 variant alleles.
Comment: This variant is classified as Benign based on local population frequency. This variant was detected in 43% of patients studied by a panel of primary immunodeficiencies. Number of patients: 41. Only high quality variants are reported.

NM_001323329.2(MAPK8):c.871+66G>A

Gene: MAPK8 (mitogen-activated protein kinase 8; plus strand). Cytogenetic location: 10q11.22.
Variant type: single nucleotide variant.
Coding change: c.871+66G>A on transcript NM_001323329.2 (MANE Select); 66 bases into the intron after coding-DNA position 871, G replaced by A.
Molecular consequence: intron variant.
Genome position (GRCh38, 1-based): chr10:48,426,136, G>A. VCF-style: chr10-48426136-G-A. GRCh37 (hg19) VCF-style: chr10-49634179-G-A.
Other names: c.871+66G>A (NM_001323302.2, NM_139049.4, NM_139046.4 and 11 more transcripts); c.643+66G>A (NM_001278548.2, NM_001323320.2).
Identifiers: ClinVar variation 2688159 (VCV002688159.2), dbSNP rs113214129, ClinGen allele CA15638626.